The following is an entry in ClinVar:

NM_007208.4(MRPL3):c.534C>A (p.Ile178=)

Gene: MRPL3 (mitochondrial ribosomal protein L3; minus strand). Cytogenetic location: 3q22.1.
Variant type: single nucleotide variant.
Coding change: c.534C>A on transcript NM_007208.4 (MANE Select); coding-DNA position 534, C replaced by A.
Protein change: p.Ile178=; no amino-acid change (isoleucine 178 retained).
Molecular consequence: synonymous variant.
Genome position (GRCh38, 1-based): chr3:131,490,015, G>T on the plus strand (C>A on the coding strand, the complement: MRPL3 is on the minus strand). VCF-style: chr3-131490015-G-T. GRCh37 (hg19) VCF-style: chr3-131208859-G-T.
Identifiers: ClinVar variation 507088 (VCV000507088.1), dbSNP rs1380149465, ClinGen allele CA435682141.

ClinVar aggregate classification (germline): Likely benign (1 of 4 stars; one submission).

Allele frequency attached by ClinVar (database versions not stated): gnomAD 0.00001 and 0.00003; TOPMed 0.00001; gnomAD exomes below 0.00001.
gnomAD v4.1: 5 of 1,611,230 alleles (0.00031%); highest among the groups gnomAD compares: Non-Finnish European, 0.00034%; no homozygotes.

Submission:

GeneDx
Classification: Likely benign. Last evaluated: 2017-02-03. Review status: criteria provided, single submitter. Criteria: GeneDx Variant Classification (06012015). Collection method: clinical testing. Allele origin: germline. Affected: yes.
Comment: This variant is considered likely benign or benign based on one or more of the following criteria: it is a conservative change, it occurs at a poorly conserved position in the protein, it is predicted to be benign by multiple in silico algorithms, and/or has population frequency not consistent with disease.